The following is an entry in ClinVar:

ClinVar aggregate classification (germline): Uncertain significance (1 of 4 stars; one submission).

Submission:

Dasa
Classification: Uncertain significance. Last evaluated: 2026-07-30. Review status: criteria provided, single submitter. Criteria: DASA Assertion Criteria. Collection method: clinical testing. Allele origin: germline.
Comment: NM_001035.3(RYR2):c.1129G>A (p.Val377Met) is a missense variant that results in the substitution of valine with methionine. This variant is rare in population databases. The currently available literature and clinical evidence are not sufficient to establish a definitive association between this variant and the reported condition. Therefore, this variant is classified as a variant of uncertain significance.

NM_001035.3(RYR2):c.1129G>A (p.Val377Met)

Gene: RYR2 (ryanodine receptor 2; plus strand). Cytogenetic location: 1q43.
Variant type: single nucleotide variant.
Coding change: c.1129G>A on transcript NM_001035.3 (MANE Select); coding-DNA position 1129, G replaced by A.
Protein change: p.Val377Met; replaces valine 377 with methionine.
Molecular consequence: missense variant.
Genome position (GRCh38, 1-based): chr1:237,441,442, G>A. VCF-style: chr1-237441442-G-A. GRCh37 (hg19) VCF-style: chr1-237604742-G-A.
Other names: short protein forms V377M.
Identifiers: ClinVar variation 5020964 (VCV005020964.1).